The following is an entry in ClinVar:

NM_017654.4(SAMD9):c.805A>G (p.Asn269Asp)

Gene: SAMD9 (sterile alpha motif domain containing 9; minus strand). Cytogenetic location: 7q21.2.
Variant type: single nucleotide variant.
Coding change: c.805A>G on transcript NM_017654.4 (MANE Select); coding-DNA position 805, A replaced by G.
Protein change: p.Asn269Asp; replaces asparagine 269 with aspartic acid.
Molecular consequence: missense variant.
Genome position (GRCh38, 1-based): chr7:93,105,293, T>C on the plus strand (A>G on the coding strand, the complement: SAMD9 is on the minus strand). VCF-style: chr7-93105293-T-C. GRCh37 (hg19) VCF-style: chr7-92734606-T-C.
Other names: c.805A>G, p.Asn269Asp (NM_001193307.2); short protein forms N269D.
Identifiers: ClinVar variation 3393791 (VCV003393791.2).

ClinVar aggregate classification (germline): Uncertain significance. Review status: criteria provided, multiple submitters, no conflicts (2 of 4 stars). 2 submissions from 2 submitters: Uncertain significance (2). Last evaluated 2025-02-16.

gnomAD v4.1: 2 of 1,613,990 alleles (0.00012%); highest among the groups gnomAD compares: African/African-American, 0.0013%; no homozygotes.

Submissions (2):

Labcorp Genetics (formerly Invitae), Labcorp
Classification: Uncertain significance. Last evaluated: 2025-02-16. Review status: criteria provided, single submitter. Criteria: Invitae Variant Classification Sherloc (09022015). Collection method: clinical testing. Allele origin: germline.
Comment: This sequence change replaces asparagine, which is neutral and polar, with aspartic acid, which is acidic and polar, at codon 269 of the SAMD9 protein (p.Asn269Asp). This variant is not present in population databases (gnomAD no frequency). This variant has not been reported in the literature in individuals affected with SAMD9-related conditions. ClinVar contains an entry for this variant (Variation ID: 3393791). Invitae Evidence Modeling of protein sequence and biophysical properties (such as structural, functional, and spatial information, amino acid conservation, physicochemical variation, residue mobility, and thermodynamic stability) indicates that this missense variant is not expected to disrupt SAMD9 protein function with a negative predictive value of 95%. In summary, the available evidence is currently insufficient to determine the role of this variant in disease. Therefore, it has been classified as a Variant of Uncertain Significance.

GeneDx
Classification: Uncertain significance. Last evaluated: 2024-07-03. Review status: criteria provided, single submitter. Criteria: GeneDx Variant Classification Process June 2021. Collection method: clinical testing. Allele origin: germline. Affected: yes.
Comment: Not observed at significant frequency in large population cohorts (gnomAD); In silico analysis indicates that this missense variant does not alter protein structure/function; Has not been previously published as pathogenic or benign to our knowledge; This variant is associated with the following publications: (PMID: 28545555)